The following is an entry in ClinVar:

ClinVar aggregate classification (germline): Pathogenic (1 of 4 stars; one submission).

Submission:

Labcorp Genetics (formerly Invitae), Labcorp
Classification: Pathogenic. Last evaluated: 2023-09-22. Review status: criteria provided, single submitter. Criteria: Invitae Variant Classification Sherloc (09022015). Collection method: clinical testing. Allele origin: germline.
Comment: This sequence change creates a premature translational stop signal (p.Ala562Glyfs*41) in the ERCC3 gene. It is expected to result in an absent or disrupted protein product. Loss-of-function variants in ERCC3 are known to be pathogenic (PMID: 16947863). This variant is not present in population databases (gnomAD no frequency). This variant has not been reported in the literature in individuals affected with ERCC3-related conditions. For these reasons, this variant has been classified as Pathogenic.

Literature cited by the submitters: PubMed 16947863.

NM_000122.2(ERCC3):c.1685_1686del (p.Ala562fs)

Gene: ERCC3 (ERCC excision repair 3, TFIIH core complex helicase subunit; minus strand). Cytogenetic location: 2q14.3.
Variant type: Deletion.
Coding change: c.1685_1686del on transcript NM_000122.2 (MANE Select); coding-DNA positions 1685 to 1686, 2 bases deleted (CT; older notation c.1685_1686delCT).
Protein change: p.Ala562fs; shifts the reading frame from alanine 562.
Molecular consequence: frameshift variant.
Genome position (GRCh38, 1-based): chr2:127,279,217-127,279,218, AG deleted on the plus strand (CT on the coding strand, the reverse complement: ERCC3 is on the minus strand). VCF-style (leftmost placement, unchanged base first): chr2-127279216-CAG-C. GRCh37 (hg19) VCF-style: chr2-128036792-CAG-C.
Other names: c.1493_1494del, p.Ala498fs (NM_001303416.2, NM_001303418.2); short protein forms A498fs, A562fs.
Identifiers: ClinVar variation 2762837 (VCV002762837.3), dbSNP rs2468040256, ClinGen allele CA2697551020.